The following is an entry in ClinVar:

NM_000321.3(RB1):c.2729G>A (p.Arg910Gln)

Gene: RB1 (RB transcriptional corepressor 1; plus strand). Cytogenetic location: 13q14.2.
Variant type: single nucleotide variant.
Coding change: c.2729G>A on transcript NM_000321.3 (MANE Select); coding-DNA position 2729, G replaced by A.
Protein change: p.Arg910Gln; replaces arginine 910 with glutamine.
Molecular consequence: missense variant.
Genome position (GRCh38, 1-based): chr13:48,480,013, G>A. VCF-style: chr13-48480013-G-A. GRCh37 (hg19) VCF-style: chr13-49054149-G-A.
Other names: short protein forms R910Q.
Identifiers: ClinVar variation 653114 (VCV000653114.11), dbSNP rs1360367329, ClinGen allele CA388158244.

ClinVar aggregate classification (germline): Conflicting classifications of pathogenicity. Review status: criteria provided, conflicting classifications (1 of 4 stars). 4 submissions from 4 submitters: Uncertain significance (3); Likely benign (1). Last evaluated 2025-11-13.

Conditions:
Hereditary cancer-predisposing syndrome. Also called: Neoplastic Syndromes, Hereditary; Tumor predisposition; Hereditary Cancer Syndrome; Hereditary neoplastic syndrome. Identifiers: Orphanet 140162, MedGen C0027672, MeSH D009386, MONDO:0015356.
Malignant tumor of urinary bladder. Also called: Bladder cancer; Urinary bladder cancer; Urinary Bladder Neoplasms. Identifiers: MedGen C0005684, MONDO:0001187, OMIM 109800.
Retinoblastoma (RB1). Also called: RETINOBLASTOMA, SOMATIC. Identifiers: Orphanet 790, MedGen C0035335, MeSH D012175, MONDO:0008380, OMIM 180200, HP:0009919. Disease mechanism: loss of function. Inheritance: Both sporadic and heritable forms are tested..

Allele frequency attached by ClinVar (database versions not stated): gnomAD exomes below 0.00001; TOPMed 0.00002.
gnomAD v4.1: 5 of 1,613,234 alleles (0.00031%); highest among the groups gnomAD compares: Middle Eastern, 0.017%; no homozygotes.

Submissions (4):

Labcorp Genetics (formerly Invitae), Labcorp
Classification: Likely benign for Retinoblastoma. Last evaluated: 2025-11-13. Review status: criteria provided, single submitter. Criteria: Invitae Variant Classification Sherloc (09022015). Collection method: clinical testing. Allele origin: germline.

Ambry Genetics
Classification: Uncertain significance for Hereditary cancer-predisposing syndrome. Last evaluated: 2025-10-21. Review status: criteria provided, single submitter. Criteria: Ambry Variant Classification Scheme 2023. Collection method: clinical testing. Allele origin: germline.
Comment: The p.R910Q variant (also known as c.2729G>A), located in coding exon 27 of the RB1 gene, results from a G to A substitution at nucleotide position 2729. The arginine at codon 910 is replaced by glutamine, an amino acid with highly similar properties. This amino acid position is highly conserved in available vertebrate species. In addition, this alteration is predicted to be deleterious by in silico analysis. Since supporting evidence is limited at this time, the clinical significance of this alteration remains unclear.

All of Us Research Program, National Institutes of Health
Classification: Uncertain significance for Retinoblastoma. Last evaluated: 2023-11-20. Review status: criteria provided, single submitter. Criteria: ACMG Guidelines, 2015. Collection method: clinical testing. Allele origin: germline. Inheritance: Autosomal dominant inheritance. Observed: 3 variant alleles, 3 heterozygotes.
Comment: This missense variant replaces arginine with glutamine at codon 910 of the RB1 protein. Computational prediction is inconclusive regarding the impact of this variant on protein structure and function (internally defined REVEL score threshold 0.5 < inconclusive < 0.7, PMID: 27666373). To our knowledge, functional studies have not been reported for this variant. This variant has not been reported in individuals affected with RB1-related disorders in the literature. This variant has not been identified in the general population by the Genome Aggregation Database (gnomAD). The available evidence is insufficient to determine the role of this variant in disease conclusively. Therefore, this variant is classified as a Variant of Uncertain Significance.

This study involves interpretation of variants in research participants for the purpose of population health screening. Participant phenotype was not available at the time of variant classification. Additional details can be found in publication PMID: 35346344, PMCID: PMC8962531

Baylor Genetics
Classification: Uncertain significance for Malignant tumor of urinary bladder. Last evaluated: 2023-08-25. Review status: criteria provided, single submitter. Criteria: ACMG Guidelines, 2015. Collection method: clinical testing. Allele origin: unknown.